The following is an entry in ClinVar:

NM_004006.3(DMD):c.31+3A>G

Gene: DMD (dystrophin; minus strand). Cytogenetic location: Xp21.1.
Variant type: single nucleotide variant.
Coding change: c.31+3A>G on transcript NM_004006.3 (MANE Select); 3 bases into the intron after coding-DNA position 31, A replaced by G.
Molecular consequence: intron variant.
Genome position (GRCh38, 1-based): chrX:33,211,279, T>C on the plus strand (A>G on the coding strand, the complement: DMD is on the minus strand). VCF-style: chrX-33211279-T-C. GRCh37 (hg19) VCF-style: chrX-33229396-T-C.
Other names: c.7+127980A>G (NM_000109.4).
Identifiers: ClinVar variation 1977321 (VCV001977321.5), dbSNP rs2521941491, ClinGen allele CA2580100756.

ClinVar aggregate classification (germline): Uncertain significance (1 of 4 stars; one submission).

Conditions:
Duchenne muscular dystrophy (DMD). Also called: MUSCULAR DYSTROPHY, PSEUDOHYPERTROPHIC PROGRESSIVE, DUCHENNE TYPE; Duchenne Muscular Dystrophy (DMD). Identifiers: Orphanet 98896, MedGen C0013264, MONDO:0010679, OMIM 310200.

Allele frequency attached by ClinVar (database versions not stated): gnomAD exomes below 0.00001.
gnomAD v4.1: 3 of 1,209,097 alleles (0.00025%); highest among the groups gnomAD compares: Non-Finnish European, 0.00034%; no homozygotes.

Submission:

Labcorp Genetics (formerly Invitae), Labcorp
Classification: Uncertain significance for Duchenne muscular dystrophy. Last evaluated: 2024-07-24. Review status: criteria provided, single submitter. Criteria: Invitae Variant Classification Sherloc (09022015). Collection method: clinical testing. Allele origin: germline.
Comment: This sequence change falls in intron 1 of the DMD gene. It does not directly change the encoded amino acid sequence of the DMD protein. It affects a nucleotide within the consensus splice site. This variant is not present in population databases (gnomAD no frequency). This variant has not been reported in the literature in individuals affected with DMD-related conditions. ClinVar contains an entry for this variant (Variation ID: 1977321). Variants that disrupt the consensus splice site are a relatively common cause of aberrant splicing (PMID: 17576681, 9536098). Algorithms developed to predict the effect of sequence changes on RNA splicing suggest that this variant may disrupt the consensus splice site. In summary, the available evidence is currently insufficient to determine the role of this variant in disease. Therefore, it has been classified as a Variant of Uncertain Significance.

Literature cited by the submitters: PubMed 17576681; PubMed 9536098.